The following is an entry in ClinVar:

ClinVar aggregate classification (germline): Benign/Likely benign. Review status: criteria provided, multiple submitters, no conflicts (2 of 4 stars). 6 submissions from 5 submitters: Benign (2); Likely benign (4). Last evaluated 2026-02-01.

Conditions:
Warburg micro syndrome 2 (WARBM2). Also called: MICRO SYNDROME 2. Identifiers: Orphanet 2510, MedGen C3280214, MONDO:0013641, OMIM 614225.
Martsolf syndrome (MARTS). Also called: Congenital cataract with intellectual disability and hypogonadotropic hypogonadism syndrome. Identifiers: Orphanet 1387, MedGen C0796037, MONDO:0023910.

Allele frequency attached by ClinVar (database versions not stated): 1000 Genomes Project 30x 0.00187; 1000 Genomes Project 0.00200; TOPMed 0.00368; ESP Exome Variant Server 0.00400; gnomAD 0.00475; gnomAD exomes 0.00496; ExAC 0.00512.
gnomAD v4.1: 8,166 of 1,598,494 alleles (0.51%); highest among the groups gnomAD compares: Non-Finnish European, 0.57%; 24 homozygotes.

Submissions (6):

Labcorp Genetics (formerly Invitae), Labcorp
Classification: Benign for Martsolf syndrome; Warburg micro syndrome 2. Last evaluated: 2026-02-01. Review status: criteria provided, single submitter. Criteria: Invitae Variant Classification Sherloc (09022015). Collection method: clinical testing. Allele origin: germline.

Blueprint Genetics
Classification: Likely benign. Last evaluated: 2024-11-19. Review status: criteria provided, single submitter. Criteria: ACMG Guidelines, 2015. Collection method: clinical testing. Allele origin: germline.

GeneDx
Classification: Benign. Last evaluated: 2018-05-25. Review status: criteria provided, single submitter. Criteria: GeneDx Variant Classification Process June 2021. Collection method: clinical testing. Allele origin: germline. Affected: yes.

Illumina Laboratory Services, Illumina
Classification: Likely benign for Martsolf syndrome 1. Last evaluated: 2018-01-13. Review status: criteria provided, single submitter. Criteria: ICSL Variant Classification Criteria 13 December 2019. Collection method: clinical testing. Allele origin: germline.
Comment: This variant was observed in the ICSL laboratory as part of a predisposition screen in an ostensibly healthy population. It had not been previously curated by ICSL or reported in the Human Gene Mutation Database (HGMD: prior to June 1st, 2018), and was therefore a candidate for classification through an automated scoring system. Utilizing variant allele frequency, disease prevalence and penetrance estimates, and inheritance mode, an automated score was calculated to assess if this variant is too frequent to cause the disease. Based on the score and internal cut-off values, a variant classified as likely benign is not then subjected to further curation. The score for this variant resulted in a classification of likely benign for this disease.

Illumina Laboratory Services, Illumina
Classification: Likely benign for Warburg micro syndrome 2. Last evaluated: 2018-01-13. Review status: criteria provided, single submitter. Criteria: ICSL Variant Classification Criteria 13 December 2019. Collection method: clinical testing. Allele origin: germline.
Comment: the same text as in the submission from Illumina Laboratory Services, Illumina above.

Breakthrough Genomics
Classification: Likely benign. Review status: criteria provided, single submitter. Criteria: ACMG Guidelines, 2015. Collection method: not provided. Allele origin: germline. Inheritance: Autosomal recessive inheritance. Affected: yes.

NM_012414.4(RAB3GAP2):c.961-14G>T

Gene: RAB3GAP2 (RAB3 GTPase activating non-catalytic protein subunit 2; minus strand). Cytogenetic location: 1q41.
Variant type: single nucleotide variant.
Coding change: c.961-14G>T on transcript NM_012414.4 (MANE Select); 14 bases into the intron before coding-DNA position 961, G replaced by T.
Molecular consequence: intron variant.
Genome position (GRCh38, 1-based): chr1:220,195,391, C>A on the plus strand (G>T on the coding strand, the complement: RAB3GAP2 is on the minus strand). VCF-style: chr1-220195391-C-A. GRCh37 (hg19) VCF-style: chr1-220368733-C-A.
Identifiers: ClinVar variation 380866 (VCV000380866.18), dbSNP rs148886986, ClinGen allele CA1402806.